The following is an entry in ClinVar:

NM_005359.6(SMAD4):c.1258C>T (p.Arg420Cys)

Gene: SMAD4 (SMAD family member 4; plus strand). Cytogenetic location: 18q21.2.
Variant type: single nucleotide variant.
Coding change: c.1258C>T on transcript NM_005359.6 (MANE Select); coding-DNA position 1258, C replaced by T.
Protein change: p.Arg420Cys; replaces arginine 420 with cysteine.
Molecular consequence: missense variant.
Genome position (GRCh38, 1-based): chr18:51,067,137, C>T. VCF-style: chr18-51067137-C-T. GRCh37 (hg19) VCF-style: chr18-48593507-C-T.
Other names: short protein forms R420C.
Identifiers: ClinVar variation 630730 (VCV000630730.17), dbSNP rs1367209662, ClinGen allele CA402464975.

ClinVar aggregate classification (germline): Uncertain significance. Review status: criteria provided, multiple submitters, no conflicts (2 of 4 stars). 4 submissions from 4 submitters: Uncertain significance (4). Last evaluated 2025-05-14.

Conditions:
Hereditary cancer-predisposing syndrome. Also called: Hereditary neoplastic syndrome; Neoplastic Syndromes, Hereditary; Tumor predisposition; Hereditary Cancer Syndrome. Identifiers: Orphanet 140162, MedGen C0027672, MeSH D009386, MONDO:0015356.
Familial thoracic aortic aneurysm and aortic dissection (TAAD). Also called: Thoracic aortic aneurysms and dissections. Identifiers: Orphanet 91387, MedGen C4707243, MONDO:0019625.
Juvenile polyposis syndrome (JPS). Identifiers: Orphanet 2929, MedGen C0345893, MONDO:0017380, OMIM 174900.
Juvenile polyposis/hereditary hemorrhagic telangiectasia syndrome (JPHT). Also called: Juvenile Polyposis Syndrome / Hereditary Hemorrhagic Telangiectasia (JPS/HHT); JP/HHT SYNDROME; JUVENILE POLYPOSIS WITH HEREDITARY HEMORRHAGIC TELANGIECTASIA; POLYPOSIS, GENERALIZED JUVENILE, WITH PULMONARY ARTERIOVENOUS MALFORMATION; TELANGIECTASIA, HEREDITARY HEMORRHAGIC, WITH JUVENILE POLYPOSIS COLI. Identifiers: Orphanet 2929, MedGen C1832942, MONDO:0008278, OMIM 175050.

Submissions (4):

Ambry Genetics
Classification: Uncertain significance for Hereditary cancer-predisposing syndrome; Familial thoracic aortic aneurysm and aortic dissection. Last evaluated: 2025-05-14. Review status: criteria provided, single submitter. Criteria: Ambry Variant Classification Scheme 2023. Collection method: clinical testing. Allele origin: germline.
Comment: The p.R420C variant (also known as c.1258C>T), located in coding exon 9 of the SMAD4 gene, results from a C to T substitution at nucleotide position 1258. The arginine at codon 420 is replaced by cysteine, an amino acid with highly dissimilar properties. This amino acid position is highly conserved in available vertebrate species. In addition, this alteration is predicted to be deleterious by in silico analysis. Based on the available evidence, the clinical significance of this variant remains unclear.

Labcorp Genetics (formerly Invitae), Labcorp
Classification: Uncertain significance for Juvenile polyposis syndrome. Last evaluated: 2025-03-04. Review status: criteria provided, single submitter. Criteria: Invitae Variant Classification Sherloc (09022015). Collection method: clinical testing. Allele origin: germline.
Comment: This sequence change replaces arginine, which is basic and polar, with cysteine, which is neutral and slightly polar, at codon 420 of the SMAD4 protein (p.Arg420Cys). This variant is not present in population databases (gnomAD no frequency). This variant has not been reported in the literature in individuals affected with SMAD4-related conditions. ClinVar contains an entry for this variant (Variation ID: 630730). Invitae Evidence Modeling of protein sequence and biophysical properties (such as structural, functional, and spatial information, amino acid conservation, physicochemical variation, residue mobility, and thermodynamic stability) has been performed for this missense variant. However, the output from this modeling did not meet the statistical confidence thresholds required to predict the impact of this variant on SMAD4 protein function. In summary, the available evidence is currently insufficient to determine the role of this variant in disease. Therefore, it has been classified as a Variant of Uncertain Significance.

Baylor Genetics
Classification: Uncertain significance for Juvenile polyposis/hereditary hemorrhagic telangiectasia syndrome. Last evaluated: 2023-10-26. Review status: criteria provided, single submitter. Criteria: ACMG Guidelines, 2015. Collection method: clinical testing. Allele origin: unknown.

Color Diagnostics, LLC DBA Color Health
Classification: Uncertain significance for Hereditary cancer-predisposing syndrome. Last evaluated: 2019-06-30. Review status: criteria provided, single submitter. Criteria: ACMG Guidelines, 2015. Collection method: clinical testing. Allele origin: germline.